The following is an entry in ClinVar:

NM_000390.4(CHM):c.1511-2A>G

Gene: CHM (CHM Rab escort protein; minus strand). Cytogenetic location: Xq21.2.
Variant type: single nucleotide variant.
Coding change: c.1511-2A>G on transcript NM_000390.4 (MANE Select); the canonical splice acceptor site of the intron before coding-DNA position 1511, A replaced by G.
Molecular consequence: splice acceptor variant.
Genome position (GRCh38, 1-based): chrX:85,879,065, T>C on the plus strand (A>G on the coding strand, the complement: CHM is on the minus strand). VCF-style: chrX-85879065-T-C. GRCh37 (hg19) VCF-style: chrX-85134070-T-C.
Other names: c.1067-2A>G (NM_001362519.1, NM_001362517.1, NM_001320959.1 and 1 more transcripts).
Identifiers: ClinVar variation 857122 (VCV000857122.10), dbSNP rs1924597556, ClinGen allele CA413787704.

ClinVar aggregate classification (germline): Pathogenic (1 of 4 stars; one submission).

Submission:

Labcorp Genetics (formerly Invitae), Labcorp
Classification: Pathogenic. Last evaluated: 2019-12-14. Review status: criteria provided, single submitter. Criteria: Invitae Variant Classification Sherloc (09022015). Collection method: clinical testing. Allele origin: germline.
Comment: Donor and acceptor splice site variants typically lead to a loss of protein function (PMID: 16199547), and loss-of-function variants in CHM are known to be pathogenic (PMID: 9067750, 23811034). For these reasons, this variant has been classified as Pathogenic. Algorithms developed to predict the effect of sequence changes on RNA splicing suggest that this variant may disrupt the consensus splice site, but this prediction has not been confirmed by published transcriptional studies. Disruption of this splice site has been observed in individuals with choroideremia (PMID: 27247961, 8477262). This variant is not present in population databases (ExAC no frequency). This sequence change affects an acceptor splice site in intron 12 of the CHM gene. It is expected to disrupt RNA splicing and likely results in an absent or disrupted protein product.

Literature cited by the submitters: PubMed 16199547; PubMed 9067750; PubMed 23811034; PubMed 27247961; PubMed 8477262.